The following is an entry in ClinVar:

NM_001001331.4(ATP2B2):c.2917+6C>T

Gene: ATP2B2 (ATPase plasma membrane Ca2+ transporting 2; minus strand). Cytogenetic location: 3p25.3.
Variant type: single nucleotide variant.
Coding change: c.2917+6C>T on transcript NM_001001331.4 (MANE Select); 6 bases into the intron after coding-DNA position 2917, C replaced by T.
Molecular consequence: intron variant.
Genome position (GRCh38, 1-based): chr3:10,342,746, G>A on the plus strand (C>T on the coding strand, the complement: ATP2B2 is on the minus strand). VCF-style: chr3-10342746-G-A. GRCh37 (hg19) VCF-style: chr3-10384430-G-A.
Other names: c.2782+6C>T (NM_001353564.1, NM_001683.5, NM_001330611.3 and 1 more transcripts).
Identifiers: ClinVar variation 2068706 (VCV002068706.4), dbSNP rs184203749, ClinGen allele CA2253261.

ClinVar aggregate classification (germline): Uncertain significance (1 of 4 stars; one submission).

Allele frequency attached by ClinVar (database versions not stated): ExAC 0.00004; gnomAD 0.00004; 1000 Genomes Project 30x 0.00031; TOPMed 0.00001; gnomAD exomes 0.00002; 1000 Genomes Project 0.00040.
gnomAD v4.1: 31 of 1,614,002 alleles (0.0019%); highest among the groups gnomAD compares: South Asian, 0.013%; no homozygotes.

Submission:

Labcorp Genetics (formerly Invitae), Labcorp
Classification: Uncertain significance. Last evaluated: 2024-04-05. Review status: criteria provided, single submitter. Criteria: Invitae Variant Classification Sherloc (09022015). Collection method: clinical testing. Allele origin: germline.
Comment: This sequence change falls in intron 16 of the ATP2B2 gene. It does not directly change the encoded amino acid sequence of the ATP2B2 protein. It affects a nucleotide within the consensus splice site. This variant is present in population databases (rs184203749, gnomAD 0.01%). This variant has not been reported in the literature in individuals affected with ATP2B2-related conditions. ClinVar contains an entry for this variant (Variation ID: 2068706). Variants that disrupt the consensus splice site are a relatively common cause of aberrant splicing (PMID: 17576681, 9536098). Algorithms developed to predict the effect of sequence changes on RNA splicing suggest that this variant is not likely to affect RNA splicing. In summary, the available evidence is currently insufficient to determine the role of this variant in disease. Therefore, it has been classified as a Variant of Uncertain Significance.

Literature cited by the submitters: PubMed 17576681; PubMed 9536098.